The following is an entry in ClinVar:

ClinVar aggregate classification (germline): Uncertain significance. Review status: criteria provided, multiple submitters, no conflicts (2 of 4 stars). 4 submissions from 4 submitters: Uncertain significance (2). 2 of the submissions do not count toward it. Last evaluated 2022-02-24.

Conditions:
Alstrom syndrome (ALMS). Identifiers: Orphanet 64, MedGen C0268425, MONDO:0008763, OMIM 203800.

Allele frequency attached by ClinVar (database versions not stated): gnomAD exomes 0.00001 and below 0.00001; ExAC 0.00001.
gnomAD v4.1: 3 of 1,614,102 alleles (0.00019%); highest among the groups gnomAD compares: East Asian, 0.0067%; no homozygotes.

Submissions (4):

Labcorp Genetics (formerly Invitae), Labcorp
Classification: Uncertain significance for Alstrom syndrome. Last evaluated: 2022-02-24. Review status: criteria provided, single submitter. Criteria: Invitae Variant Classification Sherloc (09022015). Collection method: clinical testing. Allele origin: germline.
Comment: This sequence change replaces cysteine, which is neutral and slightly polar, with arginine, which is basic and polar, at codon 337 of the ALMS1 protein (p.Cys337Arg). This variant is present in population databases (rs746923506, gnomAD 0.02%). This variant has not been reported in the literature in individuals affected with ALMS1-related conditions. ClinVar contains an entry for this variant (Variation ID: 220730). In summary, the available evidence is currently insufficient to determine the role of this variant in disease. Therefore, it has been classified as a Variant of Uncertain Significance.

Stanford Center for Inherited Cardiovascular Disease, Stanford University
Classification: Uncertain significance. Last evaluated: 2016-02-17. Review status: criteria provided, single submitter. Criteria: ACMG Guidelines, 2015. Collection method: provider interpretation. Allele origin: germline.

Natera, Inc.
Classification: Uncertain significance for Alstrom syndrome. Last evaluated: 2021-08-19. Review status: no assertion criteria provided. Collection method: clinical testing. Allele origin: germline. Not counted in ClinVar's aggregate classification.

Counsyl
Classification: Uncertain significance for Alstrom syndrome. Last evaluated: 2017-01-05. Review status: no assertion criteria provided. Collection method: clinical testing. Allele origin: unknown. Not counted in ClinVar's aggregate classification.

NM_001378454.1(ALMS1):c.1006T>C (p.Cys336Arg)

Gene: ALMS1 (ALMS1 centrosome and basal body associated protein; plus strand). Cytogenetic location: 2p13.1.
Variant type: single nucleotide variant.
Coding change: c.1006T>C on transcript NM_001378454.1 (MANE Select); coding-DNA position 1006, T replaced by C.
Protein change: p.Cys336Arg; replaces cysteine 336 with arginine.
Molecular consequence: missense variant.
Genome position (GRCh38, 1-based): chr2:73,424,671, T>C. VCF-style: chr2-73424671-T-C. GRCh37 (hg19) VCF-style: chr2-73651799-T-C.
Other names: c.1009T>C, p.Cys337Arg (NM_015120.4); short protein forms C337R, C336R.
Identifiers: ClinVar variation 220730 (VCV000220730.13), dbSNP rs746923506, ClinGen allele CA347993.